The following is an entry in ClinVar:

NM_014000.3(VCL):c.949G>C (p.Glu317Gln)

Gene: VCL (vinculin; plus strand). Cytogenetic location: 10q22.2.
Variant type: single nucleotide variant.
Coding change: c.949G>C on transcript NM_014000.3 (MANE Select); coding-DNA position 949, G replaced by C.
Protein change: p.Glu317Gln; replaces glutamic acid 317 with glutamine.
Molecular consequence: missense variant.
Genome position (GRCh38, 1-based): chr10:74,083,440, G>C. VCF-style: chr10-74083440-G-C. GRCh37 (hg19) VCF-style: chr10-75843198-G-C.
Other names: c.949G>C, p.Glu317Gln (NM_003373.4); short protein forms E317Q.
Identifiers: ClinVar variation 1767149 (VCV001767149.5), dbSNP rs777722727, ClinGen allele CA5562896.

ClinVar aggregate classification (germline): Uncertain significance. Review status: criteria provided, multiple submitters, no conflicts (2 of 4 stars). 2 submissions from 2 submitters: Uncertain significance (2). Last evaluated 2023-11-04.

Conditions:
Cardiovascular phenotype. Identifiers: MedGen CN230736.
Dilated cardiomyopathy 1W (CMD1W). Identifiers: Orphanet 154, MedGen C1969639, MONDO:0012667, OMIM 611407.

Allele frequency attached by ClinVar (database versions not stated): ExAC 0.00001; gnomAD exomes 0.00001.
gnomAD v4.1: 4 of 1,614,158 alleles (0.00025%); highest among the groups gnomAD compares: Non-Finnish European, 0.000085%; no homozygotes.

Submissions (2):

Ambry Genetics
Classification: Uncertain significance for Cardiovascular phenotype. Last evaluated: 2023-11-04. Review status: criteria provided, single submitter. Criteria: Ambry Variant Classification Scheme 2023. Collection method: clinical testing. Allele origin: germline.
Comment: The p.E317Q variant (also known as c.949G>C), located in coding exon 8 of the VCL gene, results from a G to C substitution at nucleotide position 949. The glutamic acid at codon 317 is replaced by glutamine, an amino acid with highly similar properties. This amino acid position is highly conserved in available vertebrate species. In addition, the in silico prediction for this alteration is inconclusive. Since supporting evidence is limited at this time, the clinical significance of this alteration remains unclear.

Labcorp Genetics (formerly Invitae), Labcorp
Classification: Uncertain significance for Dilated cardiomyopathy 1W. Last evaluated: 2023-01-07. Review status: criteria provided, single submitter. Criteria: Invitae Variant Classification Sherloc (09022015). Collection method: clinical testing. Allele origin: germline.
Comment: In summary, the available evidence is currently insufficient to determine the role of this variant in disease. Therefore, it has been classified as a Variant of Uncertain Significance. Algorithms developed to predict the effect of missense changes on protein structure and function are either unavailable or do not agree on the potential impact of this missense change (SIFT: "Not Available"; PolyPhen-2: "Probably Damaging"; Align-GVGD: "Not Available"). ClinVar contains an entry for this variant (Variation ID: 1767149). This variant has not been reported in the literature in individuals affected with VCL-related conditions. This variant is present in population databases (rs777722727, gnomAD 0.02%). This sequence change replaces glutamic acid, which is acidic and polar, with glutamine, which is neutral and polar, at codon 317 of the VCL protein (p.Glu317Gln).